The following is an entry in ClinVar:

NM_018077.3(RBM28):c.1354del (p.Thr452fs)

Gene: RBM28 (RNA binding motif protein 28; minus strand). Cytogenetic location: 7q32.1.
Variant type: Deletion.
Coding change: c.1354del on transcript NM_018077.3 (MANE Select); coding-DNA position 1354, one base deleted (A; older notation c.1354delA).
Protein change: p.Thr452fs; shifts the reading frame from threonine 452.
Molecular consequence: frameshift variant.
Genome position (GRCh38, 1-based): chr7:128,323,577, T deleted on the plus strand (A on the coding strand, the reverse complement: RBM28 is on the minus strand). VCF-style (leftmost placement, unchanged base first): chr7-128323576-GT-G. GRCh37 (hg19) VCF-style: chr7-127963629-GT-G.
Other names: c.1354delA (NM_018077.3); c.931del, p.Thr311fs (NM_001166135.2); short protein forms T311fs, T452fs.
Identifiers: ClinVar variation 3907305 (VCV003907305.2).

ClinVar aggregate classification (germline): Uncertain significance (1 of 4 stars; one submission).

Submission:

Women's Health and Genetics/Laboratory Corporation of America, LabCorp
Classification: Uncertain significance. Last evaluated: 2026-02-19. Review status: criteria provided, single submitter. Criteria: LabCorp Variant Classification Summary - May 2015. Collection method: clinical testing. Allele origin: germline.
Comment: Variant summary: RBM28 c.1354delA (p.Thr452ArgfsX7) results in a premature termination codon, predicted to cause a truncation of the encoded protein or absence of the protein due to nonsense mediated decay, however current evidence is not sufficient to establish loss of function as a mechanism for disease. The variant was absent in 251430 control chromosomes. The available data on variant occurrences in the general population are insufficient to allow any conclusion about variant significance. To our knowledge, no occurrence of c.1354delA in individuals affected with RBM28-related conditions and no experimental evidence demonstrating its impact on protein function have been reported. No submitters have cited clinical-significance assessments for this variant to ClinVar. Based on the evidence outlined above, the variant was classified as uncertain significance.